The following is an entry in ClinVar:

ClinVar aggregate classification (germline): Uncertain significance. Review status: criteria provided, multiple submitters, no conflicts (2 of 4 stars). 2 submissions from 2 submitters: Uncertain significance (2). Last evaluated 2025-12-21.

Conditions:
Adams-Oliver syndrome 5 (AOS5). Identifiers: Orphanet 974, MedGen C4014970, MONDO:0014459, OMIM 616028.
Familial thoracic aortic aneurysm and aortic dissection (TAAD). Also called: Thoracic aortic aneurysms and dissections. Identifiers: Orphanet 91387, MedGen C4707243, MONDO:0019625.

Allele frequency attached by ClinVar (database versions not stated): gnomAD exomes below 0.00001.
gnomAD v4.1: 6 of 1,613,184 alleles (0.00037%); highest among the groups gnomAD compares: East Asian, 0.0022%; no homozygotes.

Submissions (2):

Labcorp Genetics (formerly Invitae), Labcorp
Classification: Uncertain significance for Adams-Oliver syndrome 5. Last evaluated: 2025-12-21. Review status: criteria provided, single submitter. Criteria: Invitae Variant Classification Sherloc (09022015). Collection method: clinical testing. Allele origin: germline.
Comment: This sequence change replaces glycine, which is neutral and non-polar, with serine, which is neutral and polar, at codon 765 of the NOTCH1 protein (p.Gly765Ser). This variant is not present in population databases (gnomAD no frequency). This variant has not been reported in the literature in individuals affected with NOTCH1-related conditions. ClinVar contains an entry for this variant (Variation ID: 959707). Invitae Evidence Modeling of protein sequence and biophysical properties (such as structural, functional, and spatial information, amino acid conservation, physicochemical variation, residue mobility, and thermodynamic stability) indicates that this missense variant is not expected to disrupt NOTCH1 protein function with a negative predictive value of 80%. Algorithms developed to predict the effect of sequence changes on RNA splicing suggest that this variant may create or strengthen a splice site. In summary, the available evidence is currently insufficient to determine the role of this variant in disease. Therefore, it has been classified as a Variant of Uncertain Significance.

Ambry Genetics
Classification: Uncertain significance for Familial thoracic aortic aneurysm and aortic dissection. Last evaluated: 2025-01-06. Review status: criteria provided, single submitter. Criteria: Ambry Variant Classification Scheme 2023. Collection method: clinical testing. Allele origin: germline.
Comment: The p.G765S variant (also known as c.2293G>A), located in coding exon 14 of the NOTCH1 gene, results from a G to A substitution at nucleotide position 2293. The glycine at codon 765 is replaced by serine, an amino acid with similar properties. This amino acid position is highly conserved in available vertebrate species. In addition, the in silico prediction for this alteration is inconclusive. Based on the available evidence, the clinical significance of this variant remains unclear.

NM_017617.5(NOTCH1):c.2293G>A (p.Gly765Ser)

Gene: NOTCH1 (notch receptor 1; minus strand). Cytogenetic location: 9q34.3.
Variant type: single nucleotide variant.
Coding change: c.2293G>A on transcript NM_017617.5 (MANE Select); coding-DNA position 2293, G replaced by A.
Protein change: p.Gly765Ser; replaces glycine 765 with serine.
Molecular consequence: missense variant.
Genome position (GRCh38, 1-based): chr9:136,513,452, C>T on the plus strand (G>A on the coding strand, the complement: NOTCH1 is on the minus strand). VCF-style: chr9-136513452-C-T. GRCh37 (hg19) VCF-style: chr9-139407904-C-T.
Other names: short protein forms G765S.
Identifiers: ClinVar variation 959707 (VCV000959707.10), dbSNP rs993388875, ClinGen allele CA201585385.